The following is an entry in ClinVar:

ClinVar aggregate classification (germline): Uncertain significance. Review status: criteria provided, multiple submitters, no conflicts (2 of 4 stars). 2 submissions from 2 submitters: Uncertain significance (2). Last evaluated 2024-08-06.

Allele frequency attached by ClinVar (database versions not stated): TOPMed below 0.00001; gnomAD exomes 0.00002; ExAC 0.00007.

Submissions (2):

GeneDx
Classification: Uncertain significance. Last evaluated: 2024-08-06. Review status: criteria provided, single submitter. Criteria: GeneDx Variant Classification Process June 2021. Collection method: clinical testing. Allele origin: germline. Affected: yes.
Comment: In silico analysis supports a deleterious effect on splicing; Has not been previously published as pathogenic or benign to our knowledge

Labcorp Genetics (formerly Invitae), Labcorp
Classification: Uncertain significance. Last evaluated: 2022-01-17. Review status: criteria provided, single submitter. Criteria: Invitae Variant Classification Sherloc (09022015). Collection method: clinical testing. Allele origin: germline.
Comment: This sequence change falls in intron 55 of the USH2A gene. It does not directly change the encoded amino acid sequence of the USH2A protein. It affects a nucleotide within the consensus splice site. The frequency data for this variant in the population databases is considered unreliable, as metrics indicate poor data quality at this position in the gnomAD database. This variant has not been reported in the literature in individuals affected with USH2A-related conditions. Variants that disrupt the consensus splice site are a relatively common cause of aberrant splicing (PMID: 17576681, 9536098). Algorithms developed to predict the effect of sequence changes on RNA splicing suggest that this variant may disrupt the consensus splice site. In summary, the available evidence is currently insufficient to determine the role of this variant in disease. Therefore, it has been classified as a Variant of Uncertain Significance.

Literature cited by the submitters: PubMed 17576681 (cited by Labcorp Genetics (formerly Invitae), Labcorp); PubMed 9536098 (cited by Labcorp Genetics (formerly Invitae), Labcorp).

NM_206933.4(USH2A):c.10939+5G>A

Gene: USH2A (usherin; minus strand). Cytogenetic location: 1q41.
Variant type: single nucleotide variant.
Coding change: c.10939+5G>A on transcript NM_206933.4 (MANE Select); 5 bases into the intron after coding-DNA position 10939, G replaced by A.
Molecular consequence: intron variant.
Genome position (GRCh38, 1-based): chr1:215,779,838, C>T on the plus strand (G>A on the coding strand, the complement: USH2A is on the minus strand). VCF-style: chr1-215779838-C-T. GRCh37 (hg19) VCF-style: chr1-215953180-C-T.
Identifiers: ClinVar variation 2146424 (VCV002146424.2), dbSNP rs780717399, ClinGen allele CA1393886.